The following is an entry in ClinVar:

NM_002691.4(POLD1):c.1463A>G (p.Asp488Gly)

Gene: POLD1 (DNA polymerase delta 1, catalytic subunit; plus strand). Cytogenetic location: 19q13.33.
Variant type: single nucleotide variant.
Coding change: c.1463A>G on transcript NM_002691.4 (MANE Select); coding-DNA position 1463, A replaced by G.
Protein change: p.Asp488Gly; replaces aspartic acid 488 with glycine.
Molecular consequence: missense variant. On other transcripts: non-coding transcript variant (1).
Genome position (GRCh38, 1-based): chr19:50,406,486, A>G. VCF-style: chr19-50406486-A-G. GRCh37 (hg19) VCF-style: chr19-50909743-A-G.
Other names: c.1463A>G, p.Asp488Gly (NM_001256849.1, NM_001308632.1); short protein forms D488G.
Identifiers: ClinVar variation 484378 (VCV000484378.18), dbSNP rs1374013475, ClinGen allele CA406980260.
Genomic context (GRCh38, chr19:50,406,486, plus strand): 5'-AGCTCCGCTCCTACACGCTCAATGCCGTGAGCTTCCACTTCCTGGGCGAGCAGAAGGAGG[A>G]CGTGCAGCACAGCATCATCACCGACCTGCAGGTGCCTGCTGCCTCCCTGACCTCTCACCC-3'
Protein context (NP_002682.2, residues 478-498): SFHFLGEQKE[Asp488Gly]VQHSIITDLQ

ClinVar aggregate classification (germline): Uncertain significance. Review status: criteria provided, multiple submitters, no conflicts (2 of 4 stars). 4 submissions from 4 submitters: Uncertain significance (4). Last evaluated 2025-09-04.

Conditions:
POLD1-related polyposis and colorectal cancer syndrome (CRCS10). Also called: Colorectal cancer 10; COLORECTAL CANCER, SUSCEPTIBILITY TO, ON CHROMOSOME 19q; Colorectal cancer, susceptibility to, 10. Identifiers: Orphanet 220460, MedGen C2675481, MONDO:0012953, OMIM 612591.
Hereditary cancer-predisposing syndrome. Also called: Tumor predisposition; Hereditary Cancer Syndrome; Hereditary neoplastic syndrome; Neoplastic Syndromes, Hereditary. Identifiers: Orphanet 140162, MedGen C0027672, MeSH D009386, MONDO:0015356.

Allele frequency attached by ClinVar (database versions not stated): gnomAD exomes below 0.00001.
gnomAD v4.1: 2 of 1,593,274 alleles (0.00013%); highest among the groups gnomAD compares: Non-Finnish European, 0.00017%; no homozygotes.

Submissions (4):

Ambry Genetics
Classification: Uncertain significance for Hereditary cancer-predisposing syndrome. Last evaluated: 2025-09-04. Review status: criteria provided, single submitter. Criteria: Ambry Variant Classification Scheme 2023. Collection method: clinical testing. Allele origin: germline.
Comment: The p.D488G variant (also known as c.1463A>G), located in coding exon 11 of the POLD1 gene, results from an A to G substitution at nucleotide position 1463. The aspartic acid at codon 488 is replaced by glycine, an amino acid with similar properties. This amino acid position is well conserved in available vertebrate species. In addition, the in silico prediction for this alteration is inconclusive. Since supporting evidence is limited at this time, the clinical significance of this alteration remains unclear.

Labcorp Genetics (formerly Invitae), Labcorp
Classification: Uncertain significance for POLD1-related polyposis and colorectal cancer syndrome. Last evaluated: 2025-01-28. Review status: criteria provided, single submitter. Criteria: Invitae Variant Classification Sherloc (09022015). Collection method: clinical testing. Allele origin: germline.
Comment: This sequence change replaces aspartic acid, which is acidic and polar, with glycine, which is neutral and non-polar, at codon 488 of the POLD1 protein (p.Asp488Gly). The frequency data for this variant in the population databases is considered unreliable, as metrics indicate poor data quality at this position in the gnomAD database. This missense change has been observed in individual(s) with POLD1-related conditions (PMID: 34897210). ClinVar contains an entry for this variant (Variation ID: 484378). Invitae Evidence Modeling of protein sequence and biophysical properties (such as structural, functional, and spatial information, amino acid conservation, physicochemical variation, residue mobility, and thermodynamic stability) indicates that this missense variant is expected to disrupt POLD1 protein function with a positive predictive value of 80%. In summary, the available evidence is currently insufficient to determine the role of this variant in disease. Therefore, it has been classified as a Variant of Uncertain Significance.

Baylor Genetics
Classification: Uncertain significance for POLD1-related polyposis and colorectal cancer syndrome. Last evaluated: 2023-12-12. Review status: criteria provided, single submitter. Criteria: ACMG Guidelines, 2015. Collection method: clinical testing. Allele origin: unknown.

Quest Diagnostics Nichols Institute San Juan Capistrano
Classification: Uncertain significance. Last evaluated: 2023-05-26. Review status: criteria provided, single submitter. Criteria: Quest Diagnostics criteria. Collection method: clinical testing. Allele origin: unknown.
Comment: In the published literature, this variant has been reported in an individual with familial adenomatous polyposis (FAP) or attenuated familial adenomatous polyposis (PMID: 34897210 (2022)). The frequency of this variant in the general population, 0.0000047 (1/214780 chromosomes (Genome Aggregation Database)), is uninformative in the assessment of its pathogenicity. Analysis of this variant using bioinformatics tools for the prediction of the effect of amino acid changes on protein structure and function yielded predictions that this variant is damaging. Based on the available information, we are unable to determine the clinical significance of this variant.

Literature cited by the submitters: PubMed 34897210 (cited by Labcorp Genetics (formerly Invitae), Labcorp and Quest Diagnostics Nichols Institute San Juan Capistrano).